The following is an entry in ClinVar:

NM_005499.3(UBA2):c.1402A>C (p.Ile468Leu)

Gene: UBA2 (ubiquitin like modifier activating enzyme 2; plus strand). Cytogenetic location: 19q13.11.
Variant type: single nucleotide variant.
Coding change: c.1402A>C on transcript NM_005499.3 (MANE Select); coding-DNA position 1402, A replaced by C.
Protein change: p.Ile468Leu; replaces isoleucine 468 with leucine.
Molecular consequence: missense variant.
Genome position (GRCh38, 1-based): chr19:34,460,470, A>C. VCF-style: chr19-34460470-A-C. GRCh37 (hg19) VCF-style: chr19-34951375-A-C.
Other names: c.1114A>C, p.Ile372Leu (NM_001411139.1); short protein forms I372L, I468L.
Identifiers: ClinVar variation 3330482 (VCV003330482.3).

ClinVar aggregate classification (germline): Uncertain significance. Review status: criteria provided, multiple submitters, no conflicts (2 of 4 stars). 2 submissions from 2 submitters: Uncertain significance (2). Last evaluated 2025-04-10.

Conditions:
Inborn genetic diseases. Identifiers: MedGen C0950123, MeSH D030342.

gnomAD v4.1: 58 of 1,501,750 alleles (0.0039%); highest among the groups gnomAD compares: Non-Finnish European, 0.0051%; no homozygotes.

Submissions (2):

Women's Health and Genetics/Laboratory Corporation of America, LabCorp
Classification: Uncertain significance. Last evaluated: 2025-04-10. Review status: criteria provided, single submitter. Criteria: LabCorp Variant Classification Summary - May 2015. Collection method: clinical testing. Allele origin: germline.
Comment: Variant summary: UBA2 c.1402A>C (p.Ile468Leu) results in a conservative amino acid change in the encoded protein sequence. Four of five in-silico tools predict a benign effect of the variant on protein function. Consensus agreement among computation tools predict no significant impact on normal splicing. However, these predictions have yet to be confirmed by functional studies. The variant allele was found at a frequency of 7.3e-05 in 191562 control chromosomes. This frequency is not significantly higher than estimated for a pathogenic variant in UBA2 causing ACCES Syndrome, allowing no conclusion about variant significance. To our knowledge, no occurrence of c.1402A>C in individuals affected with ACCES Syndrome and no experimental evidence demonstrating its impact on protein function have been reported. ClinVar contains an entry for this variant (Variation ID: 3330482). Based on the evidence outlined above, the variant was classified as uncertain significance.

Ambry Genetics
Classification: Uncertain significance for Inborn genetic diseases. Last evaluated: 2024-05-02. Review status: criteria provided, single submitter. Criteria: Ambry Variant Classification Scheme 2023. Collection method: clinical testing. Allele origin: germline.